The following is an entry in ClinVar:

NM_000829.4(GRIA4):c.1165T>C (p.Tyr389His)

Gene: GRIA4 (glutamate ionotropic receptor AMPA type subunit 4; plus strand). Cytogenetic location: 11q22.3.
Variant type: single nucleotide variant.
Coding change: c.1165T>C on transcript NM_000829.4 (MANE Select); coding-DNA position 1165, T replaced by C.
Protein change: p.Tyr389His; replaces tyrosine 389 with histidine.
Molecular consequence: missense variant. On other transcripts: non-coding transcript variant (1), intron variant (1).
Genome position (GRCh38, 1-based): chr11:105,910,441, T>C. VCF-style: chr11-105910441-T-C. GRCh37 (hg19) VCF-style: chr11-105781167-T-C.
Other names: c.1165T>C, p.Tyr389His (NM_001077243.3, NM_001077244.2, NM_001112812.2 and 19 more transcripts); c.1158+5140T>C (NM_001440399.1); short protein forms Y389H.
Identifiers: ClinVar variation 5009538 (VCV005009538.1).
Genomic context (GRCh38, chr11:105,910,441, plus strand): 5'-AACTAGAGTAAATGCTTCTAAAATATGTTTTCAAGCATGTTCTCTATTTGGCAGGTTGGT[T>C]ACTGGAATGATATGGATAAGTTAGTCTTGATTCAAGATGTACCAACTCTTGGCAATGACA-3'
Protein context (NP_000820.4, residues 379-399): LKSTGPRKVG[Tyr389His]WNDMDKLVLI

ClinVar aggregate classification (germline): Uncertain significance (1 of 4 stars; one submission).

Submission:

GeneDx
Classification: Uncertain significance. Last evaluated: 2026-03-20. Review status: criteria provided, single submitter. Criteria: GeneDx Variant Classification Process June 2021. Collection method: clinical testing. Allele origin: germline.
Comment: Not observed at significant frequency in large population cohorts (gnomAD); In silico analysis suggests that this missense variant does not alter protein structure/function; Has not been previously published as pathogenic or benign to our knowledge